The following is an entry in ClinVar:

NM_002860.4(ALDH18A1):c.1783G>A (p.Asp595Asn)

Gene: ALDH18A1 (aldehyde dehydrogenase 18 family member A1; minus strand). Cytogenetic location: 10q24.1.
Variant type: single nucleotide variant.
Coding change: c.1783G>A on transcript NM_002860.4 (MANE Select); coding-DNA position 1783, G replaced by A.
Protein change: p.Asp595Asn; replaces aspartic acid 595 with asparagine.
Molecular consequence: missense variant.
Genome position (GRCh38, 1-based): chr10:95,613,984, C>T on the plus strand (G>A on the coding strand, the complement: ALDH18A1 is on the minus strand). VCF-style: chr10-95613984-C-T. GRCh37 (hg19) VCF-style: chr10-97373741-C-T.
Other names: c.1777G>A, p.Asp593Asn (NM_001017423.2, NM_001323415.2); c.1450G>A, p.Asp484Asn (NM_001323412.2, NM_001323416.2); c.1783G>A, p.Asp595Asn (NM_001323413.2, NM_001323414.2); c.1678G>A, p.Asp560Asn (NM_001323417.2); c.1444G>A, p.Asp482Asn (NM_001323418.2); c.1147G>A, p.Asp383Asn (NM_001323419.2); short protein forms D482N, D560N, D593N, D484N, D383N, D595N.
Identifiers: ClinVar variation 4055793 (VCV004055793.2).

ClinVar aggregate classification (germline): Uncertain significance (1 of 4 stars; one submission).

gnomAD v4.1: 4 of 1,614,094 alleles (0.00025%); highest among the groups gnomAD compares: Non-Finnish European, 0.00034%; no homozygotes.

Submission:

GeneDx
Classification: Uncertain significance. Last evaluated: 2025-09-18. Review status: criteria provided, single submitter. Criteria: GeneDx Variant Classification Process June 2021. Collection method: clinical testing. Allele origin: germline.
Comment: Reported in a patient with hereditary spastic paraplegia; however, familial segregation information was not provided (Vatkar et al., 2021); Not observed at significant frequency in large population cohorts (gnomAD); In silico analysis suggests that this missense variant does not alter protein structure/function; This variant is associated with the following publications: (PMID: Vatkar2021[Article])